The following is an entry in ClinVar:

NM_000173.7(GP1BA):c.1449del (p.Lys483fs)

Gene: GP1BA (glycoprotein Ib platelet subunit alpha; plus strand). Cytogenetic location: 17p13.2.
Variant type: Deletion.
Coding change: c.1449del on transcript NM_000173.7 (MANE Select); coding-DNA position 1449, one base deleted (A; older notation c.1449delA).
Protein change: p.Lys483fs; shifts the reading frame from lysine 483.
Molecular consequence: frameshift variant.
Genome position (GRCh38, 1-based): chr17:4,934,053, A deleted; the last of 4 consecutive A bases (chr17:4,934,050-4,934,053); deleting any one gives the same sequence. VCF-style (leftmost placement, unchanged base first): chr17-4934049-CA-C. GRCh37 (hg19) VCF-style: chr17-4837344-CA-C.
Other names: short protein forms K483fs.
Identifiers: ClinVar variation 4999989 (VCV004999989.1).

ClinVar aggregate classification (germline): Likely pathogenic (1 of 4 stars; one submission).

Conditions:
GP1BA-related disorder. Also called: GP1BA-related condition.

Submission:

PreventionGenetics, part of Exact Sciences
Classification: Likely pathogenic for GP1BA-related condition. Last evaluated: 2025-12-08. Review status: criteria provided, single submitter. Criteria: ACMG Guidelines, 2015. Collection method: clinical testing. Allele origin: germline.
Comment: The GP1BA c.1449delA variant is predicted to result in a frameshift and premature protein termination (p.Lys483Asnfs*6). To our knowledge, this variant has not been reported in the literature or in a large population database (gnomAD), indicating this variant is rare. Frameshift variants in GP1BA are expected to be pathogenic. This variant is interpreted as likely pathogenic.